The following is an entry in ClinVar:

ClinVar aggregate classification (germline): Pathogenic (1 of 4 stars; one submission).

Conditions:
DICER1-related tumor predisposition. Also called: DICER1-related pleuropulmonary blastoma cancer predisposition syndrome; DICER1 syndrome. Identifiers: Orphanet 284343, MedGen C3839822, MONDO:0100216.

Submission:

Labcorp Genetics (formerly Invitae), Labcorp
Classification: Pathogenic for DICER1-related tumor predisposition. Last evaluated: 2023-02-04. Review status: criteria provided, single submitter. Criteria: Invitae Variant Classification Sherloc (09022015). Collection method: clinical testing. Allele origin: germline.
Comment: This variant is not present in population databases (gnomAD no frequency). This variant has not been reported in the literature in individuals affected with DICER1-related conditions. For these reasons, this variant has been classified as Pathogenic. This sequence change creates a premature translational stop signal (p.Asn195Ilefs*11) in the DICER1 gene. It is expected to result in an absent or disrupted protein product. Loss-of-function variants in DICER1 are known to be pathogenic (PMID: 19556464, 21266384).

Literature cited by the submitters: PubMed 19556464; PubMed 21266384.

NM_177438.3(DICER1):c.584del (p.Asn195fs)

Gene: DICER1 (dicer 1, ribonuclease III; minus strand). Cytogenetic location: 14q32.13.
Variant type: Deletion.
Coding change: c.584del on transcript NM_177438.3 (MANE Select); coding-DNA position 584, one base deleted (A; older notation c.584delA).
Protein change: p.Asn195fs; shifts the reading frame from asparagine 195.
Molecular consequence: frameshift variant. On other transcripts: 5 prime UTR variant (1), non-coding transcript variant (6).
Genome position (GRCh38, 1-based): chr14:95,129,622, T deleted on the plus strand (A on the coding strand, the reverse complement: DICER1 is on the minus strand); the first of 4 consecutive T bases (chr14:95,129,622-95,129,625); deleting any one gives the same sequence. VCF-style (leftmost placement, unchanged base first): chr14-95129621-AT-A. GRCh37 (hg19) VCF-style: chr14-95595958-AT-A.
Other names: c.17del, p.Asn6fs (NM_001395691.1); c.584del, p.Asn195fs (NM_001395692.1, NM_001395693.1, NM_001395694.1 and 14 more transcripts); c.179del, p.Asn60fs (NM_001395696.1, NM_001395698.1, NM_001395687.1 and 3 more transcripts); c.-985del (NM_001395697.1); c.581delA, p.Asn195Ilefs (NM_001395681.1); c.302del, p.Asn101fs (NM_001395686.1); short protein forms N101fs, N6fs, N60fs, N195fs.
Identifiers: ClinVar variation 2834361 (VCV002834361.3), dbSNP rs2543285034, ClinGen allele CA2739270823.